The following is an entry in ClinVar:

NM_024635.4(NAA35):c.273+3A>G

Gene: NAA35 (N-alpha-acetyltransferase 35, NatC auxiliary subunit; plus strand). Cytogenetic location: 9q21.33.
Variant type: single nucleotide variant.
Coding change: c.273+3A>G on transcript NM_024635.4 (MANE Select); 3 bases into the intron after coding-DNA position 273, A replaced by G.
Molecular consequence: intron variant.
Genome position (GRCh38, 1-based): chr9:85,958,589, A>G. VCF-style: chr9-85958589-A-G. GRCh37 (hg19) VCF-style: chr9-88573504-A-G.
Other names: c.273+3A>G (NM_001321881.2, NM_001321882.2).
Identifiers: ClinVar variation 2058140 (VCV002058140.4), dbSNP rs367602279, ClinGen allele CA5107076.
Genomic context (GRCh38, chr9:85,958,589, plus strand): 5'-TGGCATGATTGGAAACCAAGTTAATCGAAAAGTTCTCAATTTTGAACAAGCTATCAAGGT[A>G]GTTACCATTGTACTTTTTGTGTTTCCATTTATCTTTTGTTACTTCCTGTTAAAACATGGT-3'

ClinVar aggregate classification (germline): Uncertain significance (1 of 4 stars; one submission).

Allele frequency attached by ClinVar (database versions not stated): TOPMed 0.00022; gnomAD 0.00027; ExAC 0.00045; gnomAD exomes 0.00048; ESP Exome Variant Server 0.00062.
gnomAD v4.1: 728 of 1,586,220 alleles (0.046%); highest among the groups gnomAD compares: South Asian, 0.19%; 1 homozygote.

Submission:

Labcorp Genetics (formerly Invitae), Labcorp
Classification: Uncertain significance. Last evaluated: 2025-12-23. Review status: criteria provided, single submitter. Criteria: Invitae Variant Classification Sherloc (09022015). Collection method: clinical testing. Allele origin: germline.
Comment: This sequence change falls in intron 4 of the NAA35 gene. It does not directly change the encoded amino acid sequence of the NAA35 protein. It affects a nucleotide within the consensus splice site. This variant is present in population databases (rs367602279, gnomAD 0.2%), and has an allele count higher than expected for a pathogenic variant. This variant has not been reported in the literature in individuals affected with NAA35-related conditions. ClinVar contains an entry for this variant (Variation ID: 2058140). Variants that disrupt the consensus splice site are a relatively common cause of aberrant splicing (PMID: 17576681, 9536098). Algorithms developed to predict the effect of sequence changes on RNA splicing suggest that this variant is not likely to affect RNA splicing. In summary, the available evidence is currently insufficient to determine the role of this variant in disease. Therefore, it has been classified as a Variant of Uncertain Significance.

Literature cited by the submitters: PubMed 17576681; PubMed 9536098.